The following is an entry in ClinVar:

ClinVar aggregate classification (germline): Conflicting classifications of pathogenicity. Review status: criteria provided, conflicting classifications (1 of 4 stars). 4 submissions from 4 submitters: Pathogenic (2); Likely pathogenic (1); Uncertain significance (1). Last evaluated 2026-01-20.

Conditions:
Gaucher disease. Also called: Acute cerebral Gaucher disease; Cerebroside lipidosis syndrome; Gaucher splenomegaly; Sphingolipidosis 1; Glucocerebrosidosis; Glucosylceramidase deficiency. Identifiers: Orphanet 355, MedGen C0017205, MONDO:0018150.

Allele frequency attached by ClinVar (database versions not stated): gnomAD exomes below 0.00001.
gnomAD v4.1: 3 of 1,613,726 alleles (0.00019%); highest among the groups gnomAD compares: Non-Finnish European, 0.00025%; no homozygotes.

Submissions (4):

Natera, Inc.
Classification: Likely pathogenic for Gaucher disease. Last evaluated: 2026-01-20. Review status: criteria provided, single submitter. Criteria: Natera Variant Classification Schema (03/2026). Collection method: clinical testing. Allele origin: germline.
Comment: The c.485T>C variant in GBA1 is a missense variant predicted to cause substitution of methionine to threonine at amino acid 162. This variant is rare in the general population with a frequency below the threshold expected for the associated phenotype(s). This variant has been observed in one or more individuals affected with the associated recessive disease, as either homozygous or compound heterozygous with a second variant (PMID: 17059888, 34134921, 14757438). Additionally, this variant has been observed to segregate in affected family members (PMID: 14757438). Functional studies show that this variant may disrupt protein function (PMID: 14757438). Computational prediction algorithms indicate this variant is likely to affect gene or protein function. Given the available evidence, this variant is classified as Likely Pathogenic.

Revvity Omics, Revvity
Classification: Pathogenic. Last evaluated: 2023-10-11. Review status: criteria provided, single submitter. Criteria: ACMG Guidelines, 2015. Collection method: clinical testing. Allele origin: germline.

Women's Health and Genetics/Laboratory Corporation of America, LabCorp
Classification: Pathogenic for Gaucher disease. Last evaluated: 2023-07-28. Review status: criteria provided, single submitter. Criteria: LabCorp Variant Classification Summary - May 2015. Collection method: clinical testing. Allele origin: germline.
Comment: Variant summary: GBA c.485T>C (p.Met162Thr) results in a non-conservative amino acid change located in the Glycosyl hydrolase family 30, TIM-barrel domain (IPR033453) of the encoded protein sequence. Two other missense variants affecting this residue (p.Met162Lys, p.Met162Val) have been found in association with Gaucher disease (HGMD). Five of five in-silico tools predict a damaging effect of the variant on protein function. The variant was absent in 251182 control chromosomes (gnomAD). c.485T>C has been reported in the literature in multiple individuals affected with Gaucher Disease (Alfonso_2004, Ceron-Rodriguez_2018, Silva Garcia_2021), and some were reported as compound heterozygous with other pathogenic variants. These data indicate that the variant is very likely to be associated with disease. At least one publication reports experimental evidence evaluating an impact on protein function, finding that the variant results in ~30% of normal enzymatic activity (Alfonso_2004). The following publications have been ascertained in the context of this evaluation (PMID: 14757438, 29471591, 34134921). No submitters have cited clinical-significance assessments for this variant to ClinVar after 2014. Based on the evidence outlined above, the variant was classified as pathogenic.

Eurofins Ntd Llc (ga)
Classification: Uncertain significance. Last evaluated: 2014-11-12. Review status: criteria provided, single submitter. Criteria: EGL Classification Definitions 2015. Collection method: clinical testing. Allele origin: germline. Observed: 1 variant allele, 1 heterozygote.

Literature cited by the submitters: PubMed 17059888 (cited by Natera, Inc.); PubMed 34134921 (cited by Natera, Inc. and Women's Health and Genetics/Laboratory Corporation of America, LabCorp); PubMed 14757438 (cited by Natera, Inc. and Women's Health and Genetics/Laboratory Corporation of America, LabCorp); PubMed 29471591 (cited by Women's Health and Genetics/Laboratory Corporation of America, LabCorp).

NM_000157.4(GBA1):c.485T>C (p.Met162Thr)

Genes: GBA1 (glucosylceramidase beta 1; minus strand), LOC106627981 (GBA recombination region; plus strand). Cytogenetic location: 1q22.
Variant type: single nucleotide variant.
Coding change: c.485T>C on transcript NM_000157.4 (MANE Select); coding-DNA position 485, T replaced by C.
Protein change: p.Met162Thr; replaces methionine 162 with threonine.
Molecular consequence: missense variant.
Genome position (GRCh38, 1-based): chr1:155,238,620, A>G on the plus strand (T>C on the coding strand, the complement: GBA1 is on the minus strand). VCF-style: chr1-155238620-A-G. GRCh37 (hg19) VCF-style: chr1-155208411-A-G.
Other names: c.485T>C, p.Met162Thr (NM_001005741.3, NM_001005742.3); c.224T>C, p.Met75Thr (NM_001171811.2); c.338T>C, p.Met113Thr (NM_001171812.2); c.485T>C (NM_000157.3, NM_001005741.2); short protein forms M162T, M113T, M75T.
Identifiers: ClinVar variation 198110 (VCV000198110.8), dbSNP rs794727783, ClinGen allele CA246603.